The following is an entry in ClinVar:

NM_015692.5(CPAMD8):c.-129G>T

Gene: CPAMD8 (C3 and PZP like alpha-2-macroglobulin domain containing 8; minus strand). Cytogenetic location: 19p13.11.
Variant type: single nucleotide variant.
Coding change: c.-129G>T on transcript NM_015692.5 (MANE Select); 129 bases upstream of the start codon, G replaced by T.
Molecular consequence: 5 prime UTR variant. On other transcripts: non-coding transcript variant (1).
Genome position (GRCh38, 1-based): chr19:17,026,771, C>A on the plus strand (G>T on the coding strand, the complement: CPAMD8 is on the minus strand). VCF-style: chr19-17026771-C-A. GRCh37 (hg19) VCF-style: chr19-17137581-C-A.
Identifiers: ClinVar variation 2343058 (VCV002343058.4), dbSNP rs1475048507, ClinGen allele CA404664311.

ClinVar aggregate classification (germline): Conflicting classifications of pathogenicity. Review status: criteria provided, conflicting classifications (1 of 4 stars). 3 submissions from 3 submitters: Uncertain significance (2); Likely benign (1). Last evaluated 2026-01-25.

Conditions:
Inborn genetic diseases. Identifiers: MedGen C0950123, MeSH D030342.

Allele frequency attached by ClinVar (database versions not stated): gnomAD 0.00014.

Submissions (3):

Labcorp Genetics (formerly Invitae), Labcorp
Classification: Uncertain significance. Last evaluated: 2026-01-25. Review status: criteria provided, single submitter. Criteria: Invitae Variant Classification Sherloc (09022015). Collection method: clinical testing. Allele origin: germline.
Comment: This sequence change replaces alanine, which is neutral and non-polar, with serine, which is neutral and polar, at codon 5 of the CPAMD8 protein (p.Ala5Ser). The frequency data for this variant in the population databases is considered unreliable, as metrics indicate poor data quality at this position in the gnomAD database. This variant has not been reported in the literature in individuals affected with CPAMD8-related conditions. ClinVar contains an entry for this variant (Variation ID: 2343058). An algorithm developed to predict the effect of missense changes on protein structure and function (PolyPhen-2) suggests that this variant is likely to be disruptive. In summary, the available evidence is currently insufficient to determine the role of this variant in disease. Therefore, it has been classified as a Variant of Uncertain Significance.

Blueprint Genetics
Classification: Likely benign. Last evaluated: 2024-11-27. Review status: criteria provided, single submitter. Criteria: ACMG Guidelines, 2015. Collection method: clinical testing. Allele origin: germline.

Ambry Genetics
Classification: Uncertain significance for Inborn genetic diseases. Last evaluated: 2021-07-21. Review status: criteria provided, single submitter. Criteria: Ambry Variant Classification Scheme 2023. Collection method: clinical testing. Allele origin: germline.